The following is an entry in ClinVar:

NM_031471.6(FERMT3):c.1311+6T>G

Gene: FERMT3 (FERM domain containing kindlin 3; plus strand). Cytogenetic location: 11q13.1.
Variant type: single nucleotide variant.
Coding change: c.1311+6T>G on transcript NM_031471.6 (MANE Select); 6 bases into the intron after coding-DNA position 1311, T replaced by G.
Molecular consequence: intron variant.
Genome position (GRCh38, 1-based): chr11:64,220,332, T>G. VCF-style: chr11-64220332-T-G. GRCh37 (hg19) VCF-style: chr11-63987804-T-G.
Other names: c.1311+6T>G (NM_001382448.1, NM_001382361.1); c.1323+6T>G (NM_178443.3, NM_001382362.1); c.783+6T>G (NM_001382364.1); c.771+6T>G (NM_001382363.1).
Identifiers: ClinVar variation 2018771 (VCV002018771.4), dbSNP rs2496025209, ClinGen allele CA2580084394.
Genomic context (GRCh38, chr11:64,220,332, plus strand): 5'-ACTCCTAGTGCCCTCCCCTGAGGGCATGAGTGAGATCTACCTGCGGTGCCAGGATGTGAG[T>G]GAGGGCTGGGCAGGGGCCAGGGCCGGGCAGGAGCTGGGGCAGGGGCAGGGGCTGAGGAGC-3'

ClinVar aggregate classification (germline): Uncertain significance (1 of 4 stars; one submission).

Conditions:
Leukocyte adhesion deficiency 3. Also called: INTEGRIN ACTIVATION DEFICIENCY DISEASE; LEUKOCYTE ADHESION DEFICIENCY 1 VARIANT; Leukocyte adhesion deficiency, type III. Identifiers: Orphanet 2968, Orphanet 99844, MedGen C2748536, MONDO:0013016, OMIM 612840.

Submission:

Labcorp Genetics (formerly Invitae), Labcorp
Classification: Uncertain significance for Leukocyte adhesion deficiency 3. Last evaluated: 2022-07-21. Review status: criteria provided, single submitter. Criteria: Invitae Variant Classification Sherloc (09022015). Collection method: clinical testing. Allele origin: germline.
Comment: In summary, the available evidence is currently insufficient to determine the role of this variant in disease. Therefore, it has been classified as a Variant of Uncertain Significance. Variants that disrupt the consensus splice site are a relatively common cause of aberrant splicing (PMID: 17576681, 9536098). Algorithms developed to predict the effect of sequence changes on RNA splicing suggest that this variant may disrupt the consensus splice site. This variant has not been reported in the literature in individuals affected with FERMT3-related conditions. This variant is not present in population databases (gnomAD no frequency). This sequence change falls in intron 11 of the FERMT3 gene. It does not directly change the encoded amino acid sequence of the FERMT3 protein. It affects a nucleotide within the consensus splice site.

Literature cited by the submitters: PubMed 17576681; PubMed 9536098.